The following is an entry in ClinVar:

ClinVar aggregate classification (germline): Uncertain significance (1 of 4 stars; one submission).

Allele frequency attached by ClinVar (database versions not stated): TOPMed below 0.00001; gnomAD 0.00001.
gnomAD v4.1: 1 of 1,614,052 alleles (0.000062%); highest among the groups gnomAD compares: Non-Finnish European, 0.000085%; no homozygotes.

Submission:

Labcorp Genetics (formerly Invitae), Labcorp
Classification: Uncertain significance. Last evaluated: 2021-08-08. Review status: criteria provided, single submitter. Criteria: Invitae Variant Classification Sherloc (09022015). Collection method: clinical testing. Allele origin: germline.
Comment: This variant has not been reported in the literature in individuals affected with SLC45A2-related conditions. This sequence change replaces isoleucine with valine at codon 237 of the SLC45A2 protein (p.Ile237Val). The isoleucine residue is highly conserved and there is a small physicochemical difference between isoleucine and valine. This variant is not present in population databases (ExAC no frequency). Algorithms developed to predict the effect of missense changes on protein structure and function are either unavailable or do not agree on the potential impact of this missense change (SIFT: "Tolerated"; PolyPhen-2: "Probably Damaging"; Align-GVGD: "Class C0"). In summary, the available evidence is currently insufficient to determine the role of this variant in disease. Therefore, it has been classified as a Variant of Uncertain Significance.

NM_016180.5(SLC45A2):c.709A>G (p.Ile237Val)

Gene: SLC45A2 (solute carrier family 45 member 2; minus strand). Cytogenetic location: 5p13.2.
Variant type: single nucleotide variant.
Coding change: c.709A>G on transcript NM_016180.5 (MANE Select); coding-DNA position 709, A replaced by G.
Protein change: p.Ile237Val; replaces isoleucine 237 with valine.
Molecular consequence: missense variant. On other transcripts: intron variant (1).
Genome position (GRCh38, 1-based): chr5:33,963,870, T>C on the plus strand (A>G on the coding strand, the complement: SLC45A2 is on the minus strand). VCF-style: chr5-33963870-T-C. GRCh37 (hg19) VCF-style: chr5-33963975-T-C.
Other names: c.709A>G, p.Ile237Val (NM_001012509.4); c.563-9366A>G (NM_001297417.4); short protein forms I237V.
Identifiers: ClinVar variation 1467765 (VCV001467765.6), dbSNP rs1266749195, ClinGen allele CA359393858.